The following is an entry in ClinVar:

NM_007294.4(BRCA1):c.457A>C (p.Ser153Arg)

Gene: BRCA1 (BRCA1 DNA repair associated; minus strand). Cytogenetic location: 17q21.31.
Variant type: single nucleotide variant.
Coding change: c.457A>C on transcript NM_007294.4 (MANE Select); coding-DNA position 457, A replaced by C.
Protein change: p.Ser153Arg; replaces serine 153 with arginine.
Molecular consequence: missense variant. On other transcripts: non-coding transcript variant (1).
Genome position (GRCh38, 1-based): chr17:43,099,865, T>G on the plus strand (A>C on the coding strand, the complement: BRCA1 is on the minus strand). VCF-style: chr17-43099865-T-G. GRCh37 (hg19) VCF-style: chr17-41251882-T-G.
Other names: p.S153R:AGT>CGT; 576A>C; c.457A>C, p.Ser153Arg (NM_001407937.1, NM_001407938.1, NM_001407939.1 and 97 more transcripts); c.454A>C, p.Ser152Arg (NM_001407940.1, NM_001407941.1, NM_001407972.1 and 65 more transcripts); c.316A>C, p.Ser106Arg (NM_001407942.1, NM_001407944.1, NM_001407945.1 and 61 more transcripts); c.313A>C, p.Ser105Arg (NM_001407943.1, NM_001407964.1, NM_001408462.1 and 35 more transcripts); c.247A>C, p.Ser83Arg (NM_001407946.1, NM_001407947.1, NM_001407948.1 and 37 more transcripts); c.244A>C, p.Ser82Arg (NM_001407954.1, NM_001407955.1, NM_001407956.1 and 18 more transcripts); and 6 more; short protein forms S153R, S106R, S108R, S127R, S25R, S82R, S126R, S150R.
Identifiers: ClinVar variation 37600 (VCV000037600.30), dbSNP rs28897674, ClinGen allele CA002914.

ClinVar aggregate classification (germline): Conflicting classifications of pathogenicity. Review status: criteria provided, conflicting classifications (1 of 4 stars). 13 submissions from 13 submitters: Uncertain significance (1); Likely benign (8). 4 of the submissions do not count toward it. Last evaluated 2025-11-22.

Conditions:
BRCA1-related disorder. Also called: BRCA1-related condition.
Hereditary cancer-predisposing syndrome. Also called: Tumor predisposition; Neoplastic Syndromes, Hereditary; Hereditary Cancer Syndrome; Hereditary neoplastic syndrome. Identifiers: Orphanet 140162, MedGen C0027672, MeSH D009386, MONDO:0015356.
Hereditary breast ovarian cancer syndrome. Also called: Hereditary breast and ovarian cancer syndrome (HBOC); Hereditary breast and ovarian cancer syndrome; Hereditary breast and ovarian cancer; Hereditary breast and/or ovarian cancer syndrome; Breast and ovarian cancer; BRCA1- and BRCA2-Associated Hereditary Breast and Ovarian Cancer. Identifiers: Orphanet 145, MedGen C0677776, MeSH D061325, MONDO:0003582. Disease mechanism: loss of function.
Breast-ovarian cancer, familial, susceptibility to, 1 (BROVCA1). Also called: OVARIAN CANCER, SUSCEPTIBILITY TO; BRCA1 Hereditary Breast and Ovarian Cancer. Identifiers: Orphanet 145, MedGen C2676676, MONDO:0011450, OMIM 604370. Disease mechanism: loss of function.

Allele frequency attached by ClinVar (database versions not stated): TOPMed 0.00002; gnomAD 0.00003.
gnomAD v4.1: 60 of 1,612,720 alleles (0.0037%); highest among the groups gnomAD compares: Non-Finnish European, 0.0043%; no homozygotes.

Submissions (13):

Labcorp Genetics (formerly Invitae), Labcorp
Classification: Likely benign for Hereditary breast ovarian cancer syndrome. Last evaluated: 2025-11-22. Review status: criteria provided, single submitter. Criteria: Invitae Variant Classification Sherloc (09022015). Collection method: clinical testing. Allele origin: germline.

Women's Health and Genetics/Laboratory Corporation of America, LabCorp
Classification: Likely benign. Last evaluated: 2025-10-31. Review status: criteria provided, single submitter. Criteria: LabCorp Variant Classification Summary - May 2015. Collection method: clinical testing. Allele origin: germline.
Comment: Variant summary: BRCA1 c.457A>C (p.Ser153Arg) results in a non-conservative amino acid change in the encoded protein sequence. Algorithms developed to predict the effect of missense changes on protein structure and function are either unavailable or do not agree on the potential impact of this missense change. The variant allele was found at a frequency of 2.8e-05 in 251428 control chromosomes. The available data on variant occurrences in the general population are insufficient to allow any conclusion about variant significance. c.457A>C has been reported in the literature in at least one individual undergoing genetic testing (Judkins_2005). This report however, does not provide unequivocal conclusions about association of the variant with Hereditary Breast And Ovarian Cancer Syndrome and to our knowledge, this variant has not been reported segregating with disease. Co-occurrence with another pathogenic variant has been reported (BRCA2 c.9253_9254insA, p.Thr3085Asnfs) in BIC database, providing supporting evidence for a benign role. One functional study in the literature suggests that the variant does not significantly affect BRCA1 function as demonstrated by two different DNA repair assays, including a homology directed repair (HDR) assay (Towler_2013). The following publications have been ascertained in the context of this evaluation (PMID: 29416040, 34981296, 16267036, 17719744, 23161852, 30617304, 17562859, 26648538, 32195105, 36860287, 28968953, 36754117, 22913592, 34680387, 30181556, 32188490, 36969007, 15385441, 38640836). ClinVar contains an entry for this variant (Variation ID: 37600). Based on the evidence outlined above, the variant was classified as likely benign.

ARUP Laboratories, Molecular Genetics and Genomics, ARUP Laboratories
Classification: Likely benign. Last evaluated: 2025-02-26. Review status: criteria provided, single submitter. Criteria: ARUP Molecular Germline Variant Investigation Process 2024. Collection method: clinical testing. Allele origin: germline.

PreventionGenetics, part of Exact Sciences
Classification: Likely benign for BRCA1-related condition. Last evaluated: 2024-12-27. Review status: criteria provided, single submitter. Criteria: ACMG Guidelines, 2015. Collection method: clinical testing. Allele origin: germline.
Comment: This variant is classified as likely benign based on ACMG/AMP sequence variant interpretation guidelines (Richards et al. 2015 PMID: 25741868, with internal and published modifications).

Blueprint Genetics
Classification: Uncertain significance. Last evaluated: 2024-10-16. Review status: criteria provided, single submitter. Criteria: ACMG Guidelines, 2015. Collection method: clinical testing. Allele origin: germline.

Quest Diagnostics Nichols Institute San Juan Capistrano
Classification: Likely benign. Last evaluated: 2023-06-15. Review status: criteria provided, single submitter. Criteria: Quest Diagnostics criteria. Collection method: clinical testing. Allele origin: unknown.

GeneDx
Classification: Likely benign. Last evaluated: 2019-07-23. Review status: criteria provided, single submitter. Criteria: GeneDx Variant Classification Process June 2021. Collection method: clinical testing. Allele origin: germline. Affected: yes.
Comment: This variant is associated with the following publications: (PMID: 23161852, 15385441, 16267036, 17719744)

Ambry Genetics
Classification: Likely benign for Hereditary cancer-predisposing syndrome. Last evaluated: 2019-03-21. Review status: criteria provided, single submitter. Criteria: Ambry Variant Classification Scheme 2023. Collection method: clinical testing. Allele origin: germline.

Color Diagnostics, LLC DBA Color Health
Classification: Likely benign for Hereditary cancer-predisposing syndrome. Last evaluated: 2017-05-02. Review status: criteria provided, single submitter. Criteria: ACMG Guidelines, 2015. Collection method: clinical testing. Allele origin: germline.

BRCAlab, Lund University
Classification: Uncertain significance for Breast-ovarian cancer, familial, susceptibility to, 1. Last evaluated: 2020-03-02. Review status: no assertion criteria provided. Collection method: clinical testing. Allele origin: germline. Affected: yes. Not counted in ClinVar's aggregate classification.

Counsyl
Classification: Uncertain significance for Breast-ovarian cancer, familial, susceptibility to, 1. Last evaluated: 2016-08-10. Review status: no assertion criteria provided. Collection method: clinical testing. Allele origin: unknown. Not counted in ClinVar's aggregate classification.

Sharing Clinical Reports Project (SCRP)
Classification: Likely benign for Breast-ovarian cancer, familial 1. Last evaluated: 2013-01-18. Review status: no assertion criteria provided. Collection method: clinical testing. Allele origin: germline. Not counted in ClinVar's aggregate classification.

Breast Cancer Information Core (BIC) (BRCA1)
Classification: Uncertain significance for Breast-ovarian cancer, familial 1. Last evaluated: 2002-05-29. Review status: no assertion criteria provided. Collection method: clinical testing. Allele origin: germline. Affected: yes. Observed: 5 variant alleles. Not counted in ClinVar's aggregate classification.

Literature cited by the submitters: PubMed 16267036 (cited by Women's Health and Genetics/Laboratory Corporation of America, LabCorp and Quest Diagnostics Nichols Institute San Juan Capistrano); PubMed 15385441 (cited by Women's Health and Genetics/Laboratory Corporation of America, LabCorp); PubMed 23161852 (cited by 4 submitters); PubMed 22913592 (cited by Women's Health and Genetics/Laboratory Corporation of America, LabCorp); PubMed 17719744 (cited by Women's Health and Genetics/Laboratory Corporation of America, LabCorp and Quest Diagnostics Nichols Institute San Juan Capistrano); PubMed 26648538 (cited by Women's Health and Genetics/Laboratory Corporation of America, LabCorp); PubMed 30181556 (cited by Women's Health and Genetics/Laboratory Corporation of America, LabCorp); PubMed 29416040 (cited by Women's Health and Genetics/Laboratory Corporation of America, LabCorp); PubMed 30617304 (cited by Women's Health and Genetics/Laboratory Corporation of America, LabCorp); PubMed 32195105 (cited by Women's Health and Genetics/Laboratory Corporation of America, LabCorp); PubMed 34981296 (cited by Women's Health and Genetics/Laboratory Corporation of America, LabCorp and Quest Diagnostics Nichols Institute San Juan Capistrano); PubMed 36969007 (cited by Women's Health and Genetics/Laboratory Corporation of America, LabCorp); PubMed 38640836 (cited by Women's Health and Genetics/Laboratory Corporation of America, LabCorp); PubMed 17562859 (cited by Women's Health and Genetics/Laboratory Corporation of America, LabCorp); PubMed 36860287 (cited by Women's Health and Genetics/Laboratory Corporation of America, LabCorp); PubMed 32188490 (cited by Women's Health and Genetics/Laboratory Corporation of America, LabCorp); PubMed 36754117 (cited by Women's Health and Genetics/Laboratory Corporation of America, LabCorp); PubMed 28968953 (cited by Women's Health and Genetics/Laboratory Corporation of America, LabCorp); PubMed 34680387 (cited by Women's Health and Genetics/Laboratory Corporation of America, LabCorp).